The following is an entry in ClinVar:

ClinVar aggregate classification (germline): Benign. Review status: criteria provided, multiple submitters, no conflicts (2 of 4 stars). 2 submissions from 2 submitters: Benign (2). Last evaluated 2016-03-28.

Allele frequency attached by ClinVar (database versions not stated): 1000 Genomes Project 30x 0.77202; ExAC 0.78784; gnomAD 0.80460; 1000 Genomes Project 0.80771; gnomAD exomes 0.83428.

Submissions (2):

Laboratory for Molecular Medicine, Mass General Brigham Personalized Medicine
Classification: Benign. Last evaluated: 2016-03-28. Review status: criteria provided, single submitter. Criteria: LMM Criteria. Collection method: clinical testing. Allele origin: germline.
Comment: Variant identified in a genome or exome case(s) and assessed due to predicted null impact of the variant or pathogenic assertions in the literature or databases. Disclaimer: This variant has not undergone full assessment. The following are preliminary notes: Frequency

Breakthrough Genomics
Classification: Benign. Review status: criteria provided, single submitter. Criteria: ACMG Guidelines, 2015. Collection method: not provided. Allele origin: germline. Inheritance: Unknown mechanism. Affected: yes.

NM_001367292.2(LGALS9B):c.17C>G (p.Ser6Cys)

Gene: LGALS9B (galectin 9B; minus strand). Cytogenetic location: 17p11.2.
Variant type: single nucleotide variant.
Coding change: c.17C>G on transcript NM_001367292.2 (MANE Select); coding-DNA position 17, C replaced by G.
Protein change: p.Ser6Cys; replaces serine 6 with cysteine.
Molecular consequence: missense variant.
Genome position (GRCh38, 1-based): chr17:20,467,454, G>C on the plus strand (C>G on the coding strand, the complement: LGALS9B is on the minus strand). VCF-style: chr17-20467454-G-C. GRCh37 (hg19) VCF-style: chr17-20370767-G-C.
Other names: c.17C>G, p.Ser6Cys (NM_001042685.3); short protein forms S6C.
Identifiers: ClinVar variation 403031 (VCV000403031.5), dbSNP rs4985834, ClinGen allele CA8448184.